The following is an entry in ClinVar:

ClinVar aggregate classification (germline): Uncertain significance. Review status: criteria provided, multiple submitters, no conflicts (2 of 4 stars). 3 submissions from 3 submitters: Uncertain significance (2). 1 of the submissions does not count toward it. Last evaluated 2024-08-20.

Conditions:
Primary ciliary dyskinesia. Also called: Ciliary dyskinesia. Identifiers: Orphanet 244, MedGen C0008780, MONDO:0016575, HP:0012265.

Allele frequency attached by ClinVar (database versions not stated): gnomAD exomes below 0.00001.
gnomAD v4.1: 8 of 1,551,682 alleles (0.00052%); highest among the groups gnomAD compares: African/African-American, 0.0027%; no homozygotes.

Submissions (3):

Ambry Genetics
Classification: Uncertain significance for Primary ciliary dyskinesia. Last evaluated: 2024-08-20. Review status: criteria provided, single submitter. Criteria: Ambry Variant Classification Scheme 2023. Collection method: clinical testing. Allele origin: germline.

Labcorp Genetics (formerly Invitae), Labcorp
Classification: Uncertain significance for Primary ciliary dyskinesia. Last evaluated: 2022-09-27. Review status: criteria provided, single submitter. Criteria: Invitae Variant Classification Sherloc (09022015). Collection method: clinical testing. Allele origin: germline.
Comment: This sequence change replaces alanine, which is neutral and non-polar, with proline, which is neutral and non-polar, at codon 679 of the DNAI1 protein (p.Ala679Pro). This variant is not present in population databases (gnomAD no frequency). This variant has not been reported in the literature in individuals affected with DNAI1-related conditions. ClinVar contains an entry for this variant (Variation ID: 665207). Advanced modeling of protein sequence and biophysical properties (such as structural, functional, and spatial information, amino acid conservation, physicochemical variation, residue mobility, and thermodynamic stability) performed at Invitae indicates that this missense variant is not expected to disrupt DNAI1 protein function. In summary, the available evidence is currently insufficient to determine the role of this variant in disease. Therefore, it has been classified as a Variant of Uncertain Significance.

Natera, Inc.
Classification: Uncertain significance for Primary ciliary dyskinesia. Last evaluated: 2021-06-08. Review status: no assertion criteria provided. Collection method: clinical testing. Allele origin: germline. Not counted in ClinVar's aggregate classification.

NM_012144.4(DNAI1):c.2035G>C (p.Ala679Pro)

Gene: DNAI1 (dynein axonemal intermediate chain 1; plus strand). Cytogenetic location: 9p13.3.
Variant type: single nucleotide variant.
Coding change: c.2035G>C on transcript NM_012144.4 (MANE Select); coding-DNA position 2035, G replaced by C.
Protein change: p.Ala679Pro; replaces alanine 679 with proline.
Molecular consequence: missense variant.
Genome position (GRCh38, 1-based): chr9:34,520,691, G>C. VCF-style: chr9-34520691-G-C. GRCh37 (hg19) VCF-style: chr9-34520689-G-C.
Other names: c.2035G>C (NM_012144.2); c.2047G>C, p.Ala683Pro (NM_001281428.2); short protein forms A683P, A679P.
Identifiers: ClinVar variation 665207 (VCV000665207.8), dbSNP rs111887810, ClinGen allele CA192655534.